The following is an entry in ClinVar:

ClinVar aggregate classification (germline): Uncertain significance (1 of 4 stars; one submission).

Allele frequency attached by ClinVar (database versions not stated): gnomAD exomes below 0.00001.
gnomAD v4.1: 1 of 1,511,120 alleles (0.000066%); highest among the groups gnomAD compares: Non-Finnish European, 0.000088%; no homozygotes.

Submission:

Labcorp Genetics (formerly Invitae), Labcorp
Classification: Uncertain significance. Last evaluated: 2021-02-12. Review status: criteria provided, single submitter. Criteria: Invitae Variant Classification Sherloc (09022015). Collection method: clinical testing. Allele origin: germline.
Comment: Advanced modeling of protein sequence and biophysical properties (such as structural, functional, and spatial information, amino acid conservation, physicochemical variation, residue mobility, and thermodynamic stability) performed at Invitae indicates that this missense variant is expected to disrupt CACNA1E protein function. This variant has not been reported in the literature in individuals with CACNA1E-related conditions. This variant is not present in population databases (ExAC no frequency). This sequence change replaces cysteine with arginine at codon 2270 of the CACNA1E protein (p.Cys2270Arg). The cysteine residue is highly conserved and there is a large physicochemical difference between cysteine and arginine. In summary, the available evidence is currently insufficient to determine the role of this variant in disease. Therefore, it has been classified as a Variant of Uncertain Significance.

NM_001205293.3(CACNA1E):c.6937T>C (p.Cys2313Arg)

Gene: CACNA1E (calcium voltage-gated channel subunit alpha1 E; plus strand). Cytogenetic location: 1q25.3.
Variant type: single nucleotide variant.
Coding change: c.6937T>C on transcript NM_001205293.3 (MANE Select); coding-DNA position 6937, T replaced by C.
Protein change: p.Cys2313Arg; replaces cysteine 2313 with arginine.
Molecular consequence: missense variant.
Genome position (GRCh38, 1-based): chr1:181,798,829, T>C. VCF-style: chr1-181798829-T-C. GRCh37 (hg19) VCF-style: chr1-181767965-T-C.
Other names: c.6808T>C, p.Cys2270Arg (NM_000721.4); c.6751T>C, p.Cys2251Arg (NM_001205294.2); short protein forms C2270R, C2251R, C2313R.
Identifiers: ClinVar variation 1408600 (VCV001408600.8), dbSNP rs2102913828, ClinGen allele CA343846075.